The following is an entry in ClinVar:

NM_182641.4(BPTF):c.1780A>G (p.Arg594Gly)

Gene: BPTF (bromodomain PHD finger transcription factor; plus strand). Cytogenetic location: 17q24.2.
Variant type: single nucleotide variant.
Coding change: c.1780A>G on transcript NM_182641.4 (MANE Select); coding-DNA position 1780, A replaced by G.
Protein change: p.Arg594Gly; replaces arginine 594 with glycine.
Molecular consequence: missense variant.
Genome position (GRCh38, 1-based): chr17:67,874,936, A>G. VCF-style: chr17-67874936-A-G. GRCh37 (hg19) VCF-style: chr17-65871052-A-G.
Other names: c.1780A>G, p.Arg594Gly (NM_004459.7); short protein forms R594G.
Identifiers: ClinVar variation 3360062 (VCV003360062.1).

ClinVar aggregate classification (germline): Uncertain significance (1 of 4 stars; one submission).

Submission:

GeneDx
Classification: Uncertain significance. Last evaluated: 2023-06-23. Review status: criteria provided, single submitter. Criteria: GeneDx Variant Classification Process June 2021. Collection method: clinical testing. Allele origin: germline. Affected: yes.
Comment: Not observed at significant frequency in large population cohorts (gnomAD); In silico analysis supports that this missense variant has a deleterious effect on protein structure/function; Has not been previously published as pathogenic or benign to our knowledge